The following is an entry in ClinVar:

NM_002335.4(LRP5):c.3220G>A (p.Val1074Ile)

Gene: LRP5 (LDL receptor related protein 5; plus strand). Cytogenetic location: 11q13.2.
Variant type: single nucleotide variant.
Coding change: c.3220G>A on transcript NM_002335.4 (MANE Select); coding-DNA position 3220, G replaced by A.
Protein change: p.Val1074Ile; replaces valine 1074 with isoleucine.
Molecular consequence: missense variant.
Genome position (GRCh38, 1-based): chr11:68,423,681, G>A. VCF-style: chr11-68423681-G-A. GRCh37 (hg19) VCF-style: chr11-68191149-G-A.
Other names: c.1477G>A, p.Val493Ile (NM_001291902.2); short protein forms V1074I, V493I.
Identifiers: ClinVar variation 1515030 (VCV001515030.7), dbSNP rs376914943, ClinGen allele CA6149880.

ClinVar aggregate classification (germline): Uncertain significance. Review status: criteria provided, multiple submitters, no conflicts (2 of 4 stars). 2 submissions from 2 submitters: Uncertain significance (2). Last evaluated 2025-03-18.

Conditions:
Autosomal dominant osteopetrosis 1 (OPTA1). Also called: OSTEOPETROSIS, AUTOSOMAL DOMINANT, TYPE I. Identifiers: Orphanet 2783, MedGen C1843330, MONDO:0011877, OMIM 607634.
Exudative vitreoretinopathy 1 (EVR1). Also called: CRISWICK-SCHEPENS SYNDROME; FEVR, AUTOSOMAL DOMINANT; Familial exudative vitreoretinopathy, autosomal dominant. Identifiers: Orphanet 891, Orphanet 90050, MedGen C1851402, MONDO:0007589, OMIM 133780.
Osteoporosis. Identifiers: MedGen C0029456, MONDO:0005298, OMIM 166710, HP:0000939.
Polycystic liver disease 4 with or without kidney cysts. Identifiers: MedGen C4693479, MONDO:0044327, OMIM 617875.
Exudative vitreoretinopathy 4 (EVR4). Identifiers: Orphanet 891, MedGen C1866176, MONDO:0011151, OMIM 601813.
Osteoporosis with pseudoglioma (OPPG). Also called: osteoporosis-pseudoglioma syndrome. Identifiers: Orphanet 2788, MedGen C0432252, MONDO:0009820, OMIM 259770.
Bone mineral density quantitative trait locus 1 (BMND1). Identifiers: MedGen C1866079, OMIM 601884.
Worth disease. Also called: Autosomal dominant osteosclerosis, Worth type; ENDOSTEAL HYPEROSTOSIS, AUTOSOMAL DOMINANT; OSTEOSCLEROSIS, AUTOSOMAL DOMINANT. Identifiers: Orphanet 2790, MedGen C0432273, MONDO:0007764, OMIM 144750.

Allele frequency attached by ClinVar (database versions not stated): ExAC 0.00001; TOPMed 0.00003; gnomAD 0.00006; ESP Exome Variant Server 0.00008.
gnomAD v4.1: 22 of 1,612,226 alleles (0.0014%); highest among the groups gnomAD compares: African/African-American, 0.011%; no homozygotes.

Submissions (2):

Labcorp Genetics (formerly Invitae), Labcorp
Classification: Uncertain significance. Last evaluated: 2025-03-18. Review status: criteria provided, single submitter. Criteria: Invitae Variant Classification Sherloc (09022015). Collection method: clinical testing. Allele origin: germline.
Comment: This sequence change replaces valine, which is neutral and non-polar, with isoleucine, which is neutral and non-polar, at codon 1074 of the LRP5 protein (p.Val1074Ile). This variant is present in population databases (rs376914943, gnomAD 0.005%). This variant has not been reported in the literature in individuals affected with LRP5-related conditions. ClinVar contains an entry for this variant (Variation ID: 1515030). Invitae Evidence Modeling of protein sequence and biophysical properties (such as structural, functional, and spatial information, amino acid conservation, physicochemical variation, residue mobility, and thermodynamic stability) indicates that this missense variant is not expected to disrupt LRP5 protein function with a negative predictive value of 95%. In summary, the available evidence is currently insufficient to determine the role of this variant in disease. Therefore, it has been classified as a Variant of Uncertain Significance.

Fulgent Genetics
Classification: Uncertain significance for Exudative vitreoretinopathy 1; Worth disease; Osteoporosis; Osteoporosis with pseudoglioma; Exudative vitreoretinopathy 4; Bone mineral density quantitative trait locus 1; Autosomal dominant osteopetrosis 1; Polycystic liver disease 4 with or without kidney cysts. Last evaluated: 2022-05-18. Review status: criteria provided, single submitter. Criteria: ACMG Guidelines, 2015. Collection method: clinical testing. Allele origin: unknown.